The following is an entry in ClinVar:

NM_006421.5(ARFGEF1):c.4959+1G>T

Gene: ARFGEF1 (ARF guanine nucleotide exchange factor 1; minus strand). Cytogenetic location: 8q13.2.
Variant type: single nucleotide variant.
Coding change: c.4959+1G>T on transcript NM_006421.5 (MANE Select); the canonical splice donor site of the intron after coding-DNA position 4959, G replaced by T.
Molecular consequence: splice donor variant.
Genome position (GRCh38, 1-based): chr8:67,204,679, C>A on the plus strand (G>T on the coding strand, the complement: ARFGEF1 is on the minus strand). VCF-style: chr8-67204679-C-A. GRCh37 (hg19) VCF-style: chr8-68116914-C-A.
Other names: c.4941+1G>T (NM_001413186.1, NM_001413185.1, NM_001413189.1); c.4959+1G>T (NM_001413187.1, NM_001413184.1, NM_001413194.1); c.4359+1G>T (NM_001413188.1, NM_001413197.1); c.3534+1G>T (NM_001413196.1); c.4953+1G>T (NM_001413190.1); c.4845+1G>T (NM_001413192.1); c.4863+1G>T (NM_001413191.1); c.4341+1G>T (NM_001413193.1).
Identifiers: ClinVar variation 4056865 (VCV004056865.1).
Genomic context (GRCh38, chr8:67,204,679, plus strand): 5'-AGACTGCTATACCTAACTTCCTACTTACACAAAAAAAGCAGCTGTCCTCCTATCTCCTTA[C>A]CTGTGCTGCAGCTAAGTTTTCTGCATCTTCTTTCTTACTTGTGGCTGGGAAGAAGACAAT-3'

ClinVar aggregate classification (germline): Pathogenic (1 of 4 stars; one submission).

Submission:

GeneDx
Classification: Pathogenic. Last evaluated: 2025-01-06. Review status: criteria provided, single submitter. Criteria: GeneDx Variant Classification Process June 2021. Collection method: clinical testing. Allele origin: germline. Affected: yes.
Comment: Canonical splice site variant predicted to result in a null allele in a gene for which loss of function is a known mechanism of disease; Not observed at significant frequency in large population cohorts (gnomAD); Has not been previously published as pathogenic or benign to our knowledge